The following is an entry in ClinVar:

NM_004100.5(EYA4):c.*1264T>A

Genes: EYA4 (EYA transcriptional coactivator and phosphatase 4; plus strand), TARID (TCF21 antisense RNA inducing promoter demethylation; minus strand). Cytogenetic location: 6q23.2.
Variant type: single nucleotide variant.
Coding change: c.*1264T>A on transcript NM_004100.5 (MANE Select); 1264 bases downstream of the stop codon, T replaced by A.
Molecular consequence: 3 prime UTR variant.
Genome position (GRCh38, 1-based): chr6:133,530,069, T>A. VCF-style: chr6-133530069-T-A. GRCh37 (hg19) VCF-style: chr6-133851207-T-A.
Other names: c.*1264T>A (NM_001301012.2, NM_001301013.2, NM_001370458.1 and 3 more transcripts).
Identifiers: ClinVar variation 355453 (VCV000355453.8), dbSNP rs9483585, ClinGen allele CA10621471.
Genomic context (GRCh38, chr6:133,530,069, plus strand): 5'-AAGTATGTTTATTCCCAATGCCATGGCAAAAATGATAATATCATCAGAAATGGAAGGCAG[T>A]TCTCCCAGATGGTGTCTAATGAAAGCAATGAGTCTATGAAAATTTTACCTAGAATATCAT-3'

ClinVar aggregate classification (germline): Benign. Review status: criteria provided, multiple submitters, no conflicts (2 of 4 stars). 3 submissions from 2 submitters: Benign (3). Last evaluated 2021-05-11.

Conditions:
Dilated cardiomyopathy 1J (CMD1J). Also called: CARDIOMYOPATHY, DILATED, WITH SENSORINEURAL HEARING LOSS, AUTOSOMAL DOMINANT. Identifiers: Orphanet 217622, MedGen C1854368, MONDO:0011541, OMIM 605362.
Autosomal dominant nonsyndromic hearing loss 10. Identifiers: Orphanet 90635, MedGen C1832476, MONDO:0011031, OMIM 601316.

Allele frequency attached by ClinVar (database versions not stated): gnomAD exomes 0.99994; gnomAD 0.99999; TOPMed 0.99999; 1000 Genomes Project 1.00000; 1000 Genomes Project 30x 1.00000.

Submissions (3):

GeneDx
Classification: Benign. Last evaluated: 2021-05-11. Review status: criteria provided, single submitter. Criteria: GeneDx Variant Classification Process June 2021. Collection method: clinical testing. Allele origin: germline. Affected: yes.

Illumina Laboratory Services, Illumina
Classification: Benign for Autosomal dominant nonsyndromic hearing loss 10. Last evaluated: 2018-01-13. Review status: criteria provided, single submitter. Criteria: ICSL Variant Classification Criteria 13 December 2019. Collection method: clinical testing. Allele origin: germline.
Comment: This variant was observed in the ICSL laboratory as part of a predisposition screen in an ostensibly healthy population. It had not been previously curated by ICSL or reported in the Human Gene Mutation Database (HGMD: prior to June 1st, 2018), and was therefore a candidate for classification through an automated scoring system. Utilizing variant allele frequency, disease prevalence and penetrance estimates, and inheritance mode, an automated score was calculated to assess if this variant is too frequent to cause the disease. Based on the score and internal cut-off values, a variant classified as benign is not then subjected to further curation. The score for this variant resulted in a classification of benign for this disease.

Illumina Laboratory Services, Illumina
Classification: Benign for Dilated cardiomyopathy 1J. Last evaluated: 2018-01-13. Review status: criteria provided, single submitter. Criteria: ICSL Variant Classification Criteria 13 December 2019. Collection method: clinical testing. Allele origin: germline.
Comment: the same text as in the submission from Illumina Laboratory Services, Illumina above.